The following is an entry in ClinVar:

ClinVar aggregate classification (germline): Uncertain significance (1 of 4 stars; one submission).

Allele frequency attached by ClinVar (database versions not stated): gnomAD 0.00001.
gnomAD v4.1: 1 of 1,613,742 alleles (0.000062%); highest among the groups gnomAD compares: African/African-American, 0.0013%; no homozygotes.

Submission:

Labcorp Genetics (formerly Invitae), Labcorp
Classification: Uncertain significance. Last evaluated: 2021-10-09. Review status: criteria provided, single submitter. Criteria: Invitae Variant Classification Sherloc (09022015). Collection method: clinical testing. Allele origin: germline.
Comment: In summary, the available evidence is currently insufficient to determine the role of this variant in disease. Therefore, it has been classified as a Variant of Uncertain Significance. Algorithms developed to predict the effect of missense changes on protein structure and function are either unavailable or do not agree on the potential impact of this missense change (SIFT: "Deleterious"; PolyPhen-2: "Possibly Damaging"; Align-GVGD: "Class C0"). This variant has not been reported in the literature in individuals affected with LSS-related conditions. This variant is not present in population databases (ExAC no frequency). This sequence change replaces isoleucine with methionine at codon 649 of the LSS protein (p.Ile649Met). The isoleucine residue is moderately conserved and there is a small physicochemical difference between isoleucine and methionine.

NM_002340.6(LSS):c.1947C>G (p.Ile649Met)

Gene: LSS (lanosterol synthase; minus strand). Cytogenetic location: 21q22.3.
Variant type: single nucleotide variant.
Coding change: c.1947C>G on transcript NM_002340.6 (MANE Select); coding-DNA position 1947, C replaced by G.
Protein change: p.Ile649Met; replaces isoleucine 649 with methionine.
Molecular consequence: missense variant.
Genome position (GRCh38, 1-based): chr21:46,194,532, G>C on the plus strand (C>G on the coding strand, the complement: LSS is on the minus strand). VCF-style: chr21-46194532-G-C. GRCh37 (hg19) VCF-style: chr21-47614446-G-C.
Other names: c.1947C>G, p.Ile649Met (NM_001001438.3); c.1914C>G, p.Ile638Met (NM_001145436.2); c.1707C>G, p.Ile569Met (NM_001145437.2); short protein forms I649M, I638M, I569M.
Identifiers: ClinVar variation 1490531 (VCV001490531.6), dbSNP rs1296840398, ClinGen allele CA410546522.
Genomic context (GRCh38, chr21:46,194,532, plus strand): 5'-ACGGTCCCGTCGTCCCCACCGAACGGCCATCAGCCCCATCATGGCCCAGCATGTGTTATG[G>C]ATCTGGGACTGGGCACTCTGCAAATAACGCCGCTCCTCGCAGGACTCAAAGTCCTCCCCC-3'
Protein context (NP_002331.3, residues 639-659): RRYLQSAQSQ[Ile649Met]HNTCWAMMGL